The following is an entry in ClinVar:

NM_000057.4(BLM):c.3652T>C (p.Cys1218Arg)

Gene: BLM (BLM RecQ like helicase; plus strand). Cytogenetic location: 15q26.1.
Variant type: single nucleotide variant.
Coding change: c.3652T>C on transcript NM_000057.4 (MANE Select); coding-DNA position 3652, T replaced by C.
Protein change: p.Cys1218Arg; replaces cysteine 1218 with arginine.
Molecular consequence: missense variant. On other transcripts: intron variant (1).
Genome position (GRCh38, 1-based): chr15:90,804,260, T>C. VCF-style: chr15-90804260-T-C. GRCh37 (hg19) VCF-style: chr15-91347490-T-C.
Other names: c.3652T>C, p.Cys1218Arg (NM_001287246.2); c.3359-4877T>C (NM_001287247.2); c.2527T>C, p.Cys843Arg (NM_001287248.2); short protein forms C1218R, C843R.
Identifiers: ClinVar variation 3644148 (VCV003644148.2).

ClinVar aggregate classification (germline): Uncertain significance (1 of 4 stars; one submission).

Conditions:
Bloom syndrome (BLM). Also called: Bloom-Torre-Machacek syndrome. Identifiers: Orphanet 125, MedGen C0005859, MONDO:0008876, OMIM 210900.

Submission:

Labcorp Genetics (formerly Invitae), Labcorp
Classification: Uncertain significance for Bloom syndrome. Last evaluated: 2024-03-02. Review status: criteria provided, single submitter. Criteria: Invitae Variant Classification Sherloc (09022015). Collection method: clinical testing. Allele origin: germline.
Comment: This sequence change replaces cysteine, which is neutral and slightly polar, with arginine, which is basic and polar, at codon 1218 of the BLM protein (p.Cys1218Arg). This variant is not present in population databases (gnomAD no frequency). This variant has not been reported in the literature in individuals affected with BLM-related conditions. Advanced modeling of protein sequence and biophysical properties (such as structural, functional, and spatial information, amino acid conservation, physicochemical variation, residue mobility, and thermodynamic stability) performed at Invitae indicates that this missense variant is expected to disrupt BLM protein function with a positive predictive value of 80%. In summary, the available evidence is currently insufficient to determine the role of this variant in disease. Therefore, it has been classified as a Variant of Uncertain Significance.